The following is an entry in ClinVar:

NM_016816.4(OAS1):c.518T>A (p.Leu173His)

Gene: OAS1 (2'-5'-oligoadenylate synthetase 1; plus strand). Cytogenetic location: 12q24.13.
Variant type: single nucleotide variant.
Coding change: c.518T>A on transcript NM_016816.4 (MANE Select); coding-DNA position 518, T replaced by A.
Protein change: p.Leu173His; replaces leucine 173 with histidine.
Molecular consequence: missense variant. On other transcripts: synonymous variant (5), non-coding transcript variant (9), intron variant (4).
Genome position (GRCh38, 1-based): chr12:112,911,099, T>A. VCF-style: chr12-112911099-T-A. GRCh37 (hg19) VCF-style: chr12-113348904-T-A.
Other names: c.471T>A, p.Ala157= (NM_001406024.1, NM_001406025.1, NM_001406020.1 and 2 more transcripts); c.518T>A, p.Leu173His (NM_002534.4, NM_001032409.3, NM_001320151.2 and 1 more transcripts); c.180+3880T>A (NM_001406030.1, NM_001406029.1, NM_001406027.1 and 1 more transcripts); short protein forms L173H.
Identifiers: ClinVar variation 4847853 (VCV004847853.1).
Genomic context (GRCh38, chr12:112,911,099, plus strand): 5'-TTGCCCGAACAGGTCAGTTGACTGGCGGCTATAAACCTAACCCCCAAATCTATGTCAAGC[T>A]CATCGAGGAGTGCACCGACCTGCAGAAAGAGGGCGAGTTCTCCACCTGCTTCACAGAACT-3'
Protein context (NP_058132.2, residues 163-183): YKPNPQIYVK[Leu173His]IEECTDLQKE

ClinVar aggregate classification (germline): Uncertain significance (1 of 4 stars; one submission).

Submission:

Women's Health and Genetics/Laboratory Corporation of America, LabCorp
Classification: Uncertain significance. Last evaluated: 2026-02-13. Review status: criteria provided, single submitter. Criteria: LabCorp Variant Classification Summary - May 2015. Collection method: clinical testing. Allele origin: germline.
Comment: Variant summary: OAS1 c.518T>A (p.Leu173His) results in a non-conservative amino acid change in the encoded protein sequence. Algorithms developed to predict the effect of missense changes on protein structure and function all suggest that this variant is likely to be disruptive. The variant was absent in 251344 control chromosomes. The available data on variant occurrences in the general population are insufficient to allow any conclusion about variant significance. To our knowledge, no occurrence of c.518T>A in individuals affected with OAS1-related conditions and no experimental evidence demonstrating its impact on protein function have been reported. No submitters have cited clinical-significance assessments for this variant to ClinVar. Based on the evidence outlined above, the variant was classified as uncertain significance.